The following is an entry in ClinVar:

ClinVar aggregate classification (germline): Uncertain significance. Review status: criteria provided, multiple submitters, no conflicts (2 of 4 stars). 2 submissions from 2 submitters: Uncertain significance (2). Last evaluated 2025-03-27.

Conditions:
Inborn genetic diseases. Identifiers: MedGen C0950123, MeSH D030342.

Submissions (2):

Ambry Genetics
Classification: Uncertain significance for Inborn genetic diseases. Last evaluated: 2025-03-27. Review status: criteria provided, single submitter. Criteria: Ambry Variant Classification Scheme 2023. Collection method: clinical testing. Allele origin: germline.
Comment: The p.Y320C variant (also known as c.959A>G), located in coding exon 1 of the SAMD9L gene, results from an A to G substitution at nucleotide position 959. The tyrosine at codon 320 is replaced by cysteine, an amino acid with highly dissimilar properties. This amino acid position is conserved. In addition, this alteration is predicted to be tolerated by in silico analysis. Based on the available evidence, the clinical significance of this variant remains unclear.

Blueprint Genetics
Classification: Uncertain significance. Last evaluated: 2019-12-10. Review status: criteria provided, single submitter. Criteria: ACMG Guidelines, 2015. Collection method: clinical testing. Allele origin: germline.

NM_152703.5(SAMD9L):c.959A>G (p.Tyr320Cys)

Gene: SAMD9L (sterile alpha motif domain containing 9 like; minus strand). Cytogenetic location: 7q21.2.
Variant type: single nucleotide variant.
Coding change: c.959A>G on transcript NM_152703.5 (MANE Select); coding-DNA position 959, A replaced by G.
Protein change: p.Tyr320Cys; replaces tyrosine 320 with cysteine.
Molecular consequence: missense variant.
Genome position (GRCh38, 1-based): chr7:93,135,013, T>C on the plus strand (A>G on the coding strand, the complement: SAMD9L is on the minus strand). VCF-style: chr7-93135013-T-C. GRCh37 (hg19) VCF-style: chr7-92764326-T-C.
Other names: c.959A>G, p.Tyr320Cys (NM_001303496.3, NM_001303497.3, NM_001303498.3 and 5 more transcripts); short protein forms Y320C.
Identifiers: ClinVar variation 3949773 (VCV003949773.2).